The following is an entry in ClinVar:

NM_000521.4(HEXB):c.732C>A (p.Phe244Leu)

Gene: HEXB (hexosaminidase subunit beta; plus strand). Cytogenetic location: 5q13.3.
Variant type: single nucleotide variant.
Coding change: c.732C>A on transcript NM_000521.4 (MANE Select); coding-DNA position 732, C replaced by A.
Protein change: p.Phe244Leu; replaces phenylalanine 244 with leucine.
Molecular consequence: missense variant.
Genome position (GRCh38, 1-based): chr5:74,705,281, C>A. VCF-style: chr5-74705281-C-A. GRCh37 (hg19) VCF-style: chr5-74001106-C-A.
Other names: c.57C>A, p.Phe19Leu (NM_001292004.2); short protein forms F19L, F244L.
Identifiers: ClinVar variation 3067748 (VCV003067748.21), dbSNP rs2478732136, ClinGen allele CA360065715.

ClinVar aggregate classification (germline): Uncertain significance (1 of 4 stars; one submission).

Submission:

CeGaT Center for Human Genetics Tuebingen
Classification: Uncertain significance. Last evaluated: 2024-03-01. Review status: criteria provided, single submitter. Criteria: CeGaT Center For Human Genetics Tuebingen Variant Classification Criteria Version 2. Collection method: clinical testing. Allele origin: germline. Affected: yes. Observed: 2 variant alleles.
Comment: HEXB: PM2, PM3, PP3